The following is an entry in ClinVar:

ClinVar aggregate classification (germline): Uncertain significance (1 of 4 stars; one submission).

Submission:

Labcorp Genetics (formerly Invitae), Labcorp
Classification: Uncertain significance. Last evaluated: 2025-07-08. Review status: criteria provided, single submitter. Criteria: Invitae Variant Classification Sherloc (09022015). Collection method: clinical testing. Allele origin: germline.
Comment: This sequence change replaces aspartic acid, which is acidic and polar, with glutamic acid, which is acidic and polar, at codon 2139 of the COL7A1 protein (p.Asp2139Glu). This variant is not present in population databases (gnomAD no frequency). This variant has not been reported in the literature in individuals affected with COL7A1-related conditions. Invitae Evidence Modeling of protein sequence and biophysical properties (such as structural, functional, and spatial information, amino acid conservation, physicochemical variation, residue mobility, and thermodynamic stability) indicates that this missense variant is not expected to disrupt COL7A1 protein function with a negative predictive value of 95%. In summary, the available evidence is currently insufficient to determine the role of this variant in disease. Therefore, it has been classified as a Variant of Uncertain Significance.

NM_000094.4(COL7A1):c.6417C>G (p.Asp2139Glu)

Gene: COL7A1 (collagen type VII alpha 1 chain; minus strand). Cytogenetic location: 3p21.31.
Variant type: single nucleotide variant.
Coding change: c.6417C>G on transcript NM_000094.4 (MANE Select); coding-DNA position 6417, C replaced by G.
Protein change: p.Asp2139Glu; replaces aspartic acid 2139 with glutamic acid.
Molecular consequence: missense variant.
Genome position (GRCh38, 1-based): chr3:48,574,527, G>C on the plus strand (C>G on the coding strand, the complement: COL7A1 is on the minus strand). VCF-style: chr3-48574527-G-C. GRCh37 (hg19) VCF-style: chr3-48611960-G-C.
Other names: short protein forms D2139E.
Identifiers: ClinVar variation 4776874 (VCV004776874.1).
Genomic context (GRCh38, chr3:48,574,527, plus strand): 5'-GGCTGTTGGGCAAGGACTTACCGGGTTGCCGTCCTGACCCCTCGGTCCAGGCTCTCCCCG[G>C]TCTCCTTTGATGCCTGGCACACCCTGAAGGCAGAGTGTCGTGCCCTGAGCCCCCAGTCCC-3'
Protein context (NP_000085.1, residues 2129-2149): GDRGVPGIKG[Asp2139Glu]RGEPGPRGQD